The following is an entry in ClinVar:

NM_005157.6(ABL1):c.1850G>A (p.Arg617His)

Gene: ABL1 (ABL proto-oncogene 1, non-receptor tyrosine kinase; plus strand). Cytogenetic location: 9q34.12.
Variant type: single nucleotide variant.
Coding change: c.1850G>A on transcript NM_005157.6 (MANE Select); coding-DNA position 1850, G replaced by A.
Protein change: p.Arg617His; replaces arginine 617 with histidine.
Molecular consequence: missense variant.
Genome position (GRCh38, 1-based): chr9:130,884,140, G>A. VCF-style: chr9-130884140-G-A. GRCh37 (hg19) VCF-style: chr9-133759527-G-A.
Other names: c.1907G>A, p.Arg636His (NM_007313.3); short protein forms R617H, R636H.
Identifiers: ClinVar variation 4801864 (VCV004801864.1).

ClinVar aggregate classification (germline): Uncertain significance (1 of 4 stars; one submission).

gnomAD v4.1: 2 of 1,613,546 alleles (0.00012%); highest among the groups gnomAD compares: Non-Finnish European, 0.00017%; no homozygotes.

Submission:

Labcorp Genetics (formerly Invitae), Labcorp
Classification: Uncertain significance. Last evaluated: 2025-11-30. Review status: criteria provided, single submitter. Criteria: Invitae Variant Classification Sherloc (09022015). Collection method: clinical testing. Allele origin: germline.
Comment: This sequence change replaces arginine, which is basic and polar, with histidine, which is basic and polar, at codon 636 of the ABL1 protein (p.Arg636His). This variant is not present in population databases (gnomAD no frequency). This variant has not been reported in the literature in individuals affected with ABL1-related conditions. Invitae Evidence Modeling of protein sequence and biophysical properties (such as structural, functional, and spatial information, amino acid conservation, physicochemical variation, residue mobility, and thermodynamic stability) indicates that this missense variant is not expected to disrupt ABL1 protein function with a negative predictive value of 95%. In summary, the available evidence is currently insufficient to determine the role of this variant in disease. Therefore, it has been classified as a Variant of Uncertain Significance.